The following is an entry in ClinVar:

ClinVar aggregate classification (germline): Pathogenic (1 of 4 stars; one submission).

Conditions:
Familial cancer of breast. Also called: Hereditary breast cancer; BREAST CANCER, FAMILIAL; hereditary breast carcinoma. Identifiers: Orphanet 227535, MedGen C0346153, MONDO:0016419, OMIM 114480. Disease mechanism: loss of function.

Submission:

Labcorp Genetics (formerly Invitae), Labcorp
Classification: Pathogenic for Familial cancer of breast. Last evaluated: 2023-10-13. Review status: criteria provided, single submitter. Criteria: Invitae Variant Classification Sherloc (09022015). Collection method: clinical testing. Allele origin: germline.
Comment: This sequence change creates a premature translational stop signal (p.Ala712Argfs*20) in the PALB2 gene. It is expected to result in an absent or disrupted protein product. Loss-of-function variants in PALB2 are known to be pathogenic (PMID: 17200668, 17200671, 17200672, 24136930, 25099575). This variant is not present in population databases (gnomAD no frequency). This variant has not been reported in the literature in individuals affected with PALB2-related conditions. For these reasons, this variant has been classified as Pathogenic.

Literature cited by the submitters: PubMed 17200668; PubMed 17200671; PubMed 17200672; PubMed 24136930; PubMed 25099575.

NM_024675.4(PALB2):c.2133del (p.Ala712fs)

Gene: PALB2 (partner and localizer of BRCA2; minus strand). Cytogenetic location: 16p12.2.
Variant type: Deletion.
Coding change: c.2133del on transcript NM_024675.4 (MANE Select); coding-DNA position 2133, one base deleted (T; older notation c.2133delT).
Protein change: p.Ala712fs; shifts the reading frame from alanine 712.
Molecular consequence: frameshift variant. On other transcripts: intron variant (1).
Genome position (GRCh38, 1-based): chr16:23,630,021, A deleted on the plus strand (T on the coding strand, the reverse complement: PALB2 is on the minus strand); the first of 2 consecutive A bases (chr16:23,630,021-23,630,022); deleting either gives the same sequence. VCF-style (leftmost placement, unchanged base first): chr16-23630020-CA-C. GRCh37 (hg19) VCF-style: chr16-23641341-CA-C.
Other names: c.49-746del (NM_001407314.1); c.2073del, p.Ala692fs (NM_001407296.1); c.2133del, p.Ala712fs (NM_001407297.1, NM_001407298.1, NM_001407299.1 and 3 more transcripts); c.1248del, p.Ala417fs (NM_001407304.1, NM_001407305.1, NM_001407306.1 and 5 more transcripts); c.345del, p.Ala116fs (NM_001407312.1, NM_001407313.1); short protein forms A417fs, A712fs, A116fs, A692fs.
Identifiers: ClinVar variation 2768000 (VCV002768000.3), dbSNP rs2506421462, ClinGen allele CA2697555721.